The following is an entry in ClinVar:

ClinVar aggregate classification (germline): Likely benign. Review status: criteria provided, multiple submitters, no conflicts (2 of 4 stars). 3 submissions from 3 submitters: Likely benign (3). Last evaluated 2025-08-19.

Conditions:
Hereditary cancer-predisposing syndrome. Also called: Tumor predisposition; Hereditary Cancer Syndrome; Hereditary neoplastic syndrome; Neoplastic Syndromes, Hereditary. Identifiers: Orphanet 140162, MedGen C0027672, MeSH D009386, MONDO:0015356.
Rhabdoid tumor predisposition syndrome 2 (RTPS2). Identifiers: Orphanet 231108, Orphanet 69077, MedGen C2750074, MONDO:0013224, OMIM 613325.

gnomAD v4.1: 1 of 1,604,936 alleles (0.000062%); highest among the groups gnomAD compares: African/African-American, 0.0013%; no homozygotes.

Submissions (3):

Ambry Genetics
Classification: Likely benign for Hereditary cancer-predisposing syndrome. Last evaluated: 2025-08-19. Review status: criteria provided, single submitter. Criteria: Ambry Variant Classification Scheme 2023. Collection method: clinical testing. Allele origin: germline.

CeGaT Center for Human Genetics Tuebingen
Classification: Likely benign. Last evaluated: 2025-08-01. Review status: criteria provided, single submitter. Criteria: CeGaT Center For Human Genetics Tuebingen Variant Classification Criteria Version 2. Collection method: clinical testing. Allele origin: germline. Affected: yes. Observed: 1 variant allele.
Comment: SMARCA4: BP4, BP7

Labcorp Genetics (formerly Invitae), Labcorp
Classification: Likely benign for Rhabdoid tumor predisposition syndrome 2. Last evaluated: 2022-05-05. Review status: criteria provided, single submitter. Criteria: Invitae Variant Classification Sherloc (09022015). Collection method: clinical testing. Allele origin: germline.

NM_003072.5(SMARCA4):c.4011C>G (p.Leu1337=)

Gene: SMARCA4 (SWI/SNF related BAF chromatin remodeling complex subunit ATPase 4; plus strand). Cytogenetic location: 19p13.2.
Variant type: single nucleotide variant.
Coding change: c.4011C>G on transcript NM_003072.5 (MANE Select); coding-DNA position 4011, C replaced by G.
Protein change: p.Leu1337=; no amino-acid change (leucine 1337 retained).
Molecular consequence: synonymous variant. On other transcripts: non-coding transcript variant (1).
Genome position (GRCh38, 1-based): chr19:11,034,973, C>G. VCF-style: chr19-11034973-C-G. GRCh37 (hg19) VCF-style: chr19-11145649-C-G.
Other names: c.4011C>G (NM_001128849.1); c.4011C>G, p.Leu1337= (NM_001128844.3, NM_001128849.3, NM_001387283.1); c.3912C>G, p.Leu1304= (NM_001128845.2, NM_001128846.2, NM_001128847.4 and 3 more transcripts).
Identifiers: ClinVar variation 2058298 (VCV002058298.13), dbSNP rs377720149, ClinGen allele CA305291474.